The following is an entry in ClinVar:

ClinVar aggregate classification (germline): Likely pathogenic. Review status: criteria provided, multiple submitters, no conflicts (2 of 4 stars). 2 submissions from 2 submitters: Likely pathogenic (2). Last evaluated 2024-03-19.

Conditions:
Xeroderma pigmentosum group A (XPA). Also called: XPA-Related Xeroderma Pigmentosum; Xeroderma pigmentosum, complementation group A; XP, group A. Identifiers: Orphanet 910, MedGen C0268135, MONDO:0010210, OMIM 278700.

Allele frequency attached by ClinVar (database versions not stated): gnomAD 0.00001.
gnomAD v4.1: 1 of 1,612,044 alleles (0.000062%); highest among the groups gnomAD compares: Non-Finnish European, 0.000085%; no homozygotes.

Submissions (2):

Baylor Genetics
Classification: Likely pathogenic for Xeroderma pigmentosum group A. Last evaluated: 2024-03-19. Review status: criteria provided, single submitter. Criteria: ACMG Guidelines, 2015. Collection method: clinical testing. Allele origin: unknown.

Labcorp Genetics (formerly Invitae), Labcorp
Classification: Likely pathogenic. Last evaluated: 2023-07-03. Review status: criteria provided, single submitter. Criteria: Invitae Variant Classification Sherloc (09022015). Collection method: clinical testing. Allele origin: germline.
Comment: In summary, the currently available evidence indicates that the variant is pathogenic, but additional data are needed to prove that conclusively. Therefore, this variant has been classified as Likely Pathogenic. Algorithms developed to predict the effect of sequence changes on RNA splicing suggest that this variant may disrupt the consensus splice site. This variant has not been reported in the literature in individuals affected with XPA-related conditions. This variant is present in population databases (no rsID available, gnomAD 0.007%). This sequence change affects an acceptor splice site in intron 1 of the XPA gene. It is expected to disrupt RNA splicing. Variants that disrupt the donor or acceptor splice site typically lead to a loss of protein function (PMID: 16199547), and loss-of-function variants in XPA are known to be pathogenic (PMID: 27607234).

Literature cited by the submitters: PubMed 16199547 (cited by Labcorp Genetics (formerly Invitae), Labcorp); PubMed 27607234 (cited by Labcorp Genetics (formerly Invitae), Labcorp).

NM_000380.4(XPA):c.173-2A>G

Gene: XPA (XPA, DNA damage recognition and repair factor; minus strand). Cytogenetic location: 9q22.33.
Variant type: single nucleotide variant.
Coding change: c.173-2A>G on transcript NM_000380.4 (MANE Select); the canonical splice acceptor site of the intron before coding-DNA position 173, A replaced by G.
Molecular consequence: splice acceptor variant.
Genome position (GRCh38, 1-based): chr9:97,693,761, T>C on the plus strand (A>G on the coding strand, the complement: XPA is on the minus strand). VCF-style: chr9-97693761-T-C. GRCh37 (hg19) VCF-style: chr9-100456043-T-C.
Other names: c.47-2A>G (NM_001354975.2).
Identifiers: ClinVar variation 2884996 (VCV002884996.4), dbSNP rs1468099690, ClinGen allele CA374188324.